The following is an entry in ClinVar:

NM_001079872.2(CUL4B):c.1130G>A (p.Arg377Gln)

Gene: CUL4B (cullin 4B; minus strand). Cytogenetic location: Xq24.
Variant type: single nucleotide variant.
Coding change: c.1130G>A on transcript NM_001079872.2 (MANE Select); coding-DNA position 1130, G replaced by A.
Protein change: p.Arg377Gln; replaces arginine 377 with glutamine.
Molecular consequence: missense variant.
Genome position (GRCh38, 1-based): chrX:120,544,157, C>T on the plus strand (G>A on the coding strand, the complement: CUL4B is on the minus strand). VCF-style: chrX-120544157-C-T. GRCh37 (hg19) VCF-style: chrX-119678012-C-T.
Other names: c.1145G>A, p.Arg382Gln (NM_001330624.2); c.596G>A, p.Arg199Gln (NM_001369145.1); c.1184G>A, p.Arg395Gln (NM_003588.4); short protein forms R395Q, R377Q, R199Q, R382Q.
Identifiers: ClinVar variation 2072439 (VCV002072439.4), dbSNP rs1428134213, ClinGen allele CA414198493.

ClinVar aggregate classification (germline): Uncertain significance (1 of 4 stars; one submission).

Conditions:
X-linked intellectual disability Cabezas type (MRXSC). Also called: CABEZAS SYNDROME; MENTAL RETARDATION, X-LINKED, SYNDROMIC 15; Intellectual developmental disorder, X-linked syndromic, Cabezas type. Identifiers: Orphanet 85289, Orphanet 85293, MedGen C1845861, MONDO:0010306, OMIM 300354.

Allele frequency attached by ClinVar (database versions not stated): gnomAD exomes below 0.00001; gnomAD 0.00001.
gnomAD v4.1: 6 of 1,204,433 alleles (0.0005%); highest among the groups gnomAD compares: East Asian, 0.003%; no homozygotes.

Submission:

Labcorp Genetics (formerly Invitae), Labcorp
Classification: Uncertain significance for X-linked intellectual disability Cabezas type. Last evaluated: 2022-05-22. Review status: criteria provided, single submitter. Criteria: Invitae Variant Classification Sherloc (09022015). Collection method: clinical testing. Allele origin: germline.
Comment: In summary, the available evidence is currently insufficient to determine the role of this variant in disease. Therefore, it has been classified as a Variant of Uncertain Significance. Algorithms developed to predict the effect of missense changes on protein structure and function (SIFT, PolyPhen-2, Align-GVGD) all suggest that this variant is likely to be tolerated. This variant has not been reported in the literature in individuals affected with CUL4B-related conditions. The frequency data for this variant in the population databases is considered unreliable, as metrics indicate poor data quality at this position in the gnomAD database. This sequence change replaces arginine, which is basic and polar, with glutamine, which is neutral and polar, at codon 395 of the CUL4B protein (p.Arg395Gln).